The following is an entry in ClinVar:

NM_001330260.2(SCN8A):c.4079_4080delinsGG (p.Thr1360Arg)

Gene: SCN8A (sodium voltage-gated channel alpha subunit 8; plus strand). Cytogenetic location: 12q13.13.
Variant type: Indel.
Coding change: c.4079_4080delinsGG on transcript NM_001330260.2 (MANE Select); coding-DNA positions 4079 to 4080, CT replaced by GG.
Protein change: p.Thr1360Arg; replaces threonine 1360 with arginine.
Molecular consequence: missense variant.
Genome position (GRCh38, 1-based): chr12:51,786,678-51,786,679, CT replaced by GG. VCF-style: chr12-51786678-CT-GG. GRCh37 (hg19) VCF-style: chr12-52180462-CT-GG.
Other names: c.4079_4080delCTinsGG (NM_014191.3); c.3956_3957delinsGG, p.Thr1319Arg (NM_001177984.3, NM_001369788.1); c.4079_4080delinsGG, p.Thr1360Arg (NM_014191.4); short protein forms T1319R, T1360R.
Identifiers: ClinVar variation 3067148 (VCV003067148.2), dbSNP rs2540302170, ClinGen allele CA2825002086.

Conditions:
Complex neurodevelopmental disorder. Identifiers: Orphanet 528084, MedGen C5568766, MONDO:0100038.

Submission:

Channelopathy-Associated Epilepsy Research Center
No classification provided (evidence only). Condition: Complex neurodevelopmental disorder. Review status: no classification provided. Collection method: literature only. Allele origin: not applicable. Functional consequence: Normal peak current, Normal voltage dependence of activation, Mild-moderate hyperpolarizing shift of voltage dependence of fast inactivation, Normal slope of activation, Normal slope of fast inactivation, Overall loss-of-function effect with respect to biophysical channel activity.
ClinVar note: "not provided" was previously submitted as the classification for the variant. However, the classification appeared to be based only on an observation of functional data so it was converted to no classification on 2025-07-30.

Literature cited by the submitters: PubMed 31625145.